The following is an entry in ClinVar:

NM_000277.3(PAH):c.617A>G (p.Tyr206Cys)

Gene: PAH (phenylalanine hydroxylase; minus strand). Cytogenetic location: 12q23.2.
Variant type: single nucleotide variant.
Coding change: c.617A>G on transcript NM_000277.3 (MANE Select); coding-DNA position 617, A replaced by G.
Protein change: p.Tyr206Cys; replaces tyrosine 206 with cysteine.
Molecular consequence: missense variant.
Genome position (GRCh38, 1-based): chr12:102,855,225, T>C on the plus strand (A>G on the coding strand, the complement: PAH is on the minus strand). VCF-style: chr12-102855225-T-C. GRCh37 (hg19) VCF-style: chr12-103249003-T-C.
Other names: NM_000277.3(PAH):c.617A>G; p.Tyr206Cys; c.617A>G (NM_000277.2); c.617A>G, p.Tyr206Cys (NM_001354304.2); short protein forms Y206C.
Identifiers: ClinVar variation 102762 (VCV000102762.6), dbSNP rs62508728, ClinGen allele CA229660.

ClinVar aggregate classification (germline): Likely pathogenic. Review status: reviewed by expert panel (3 of 4 stars). 5 submissions from 5 submitters: Likely pathogenic (1). 4 of the submissions do not count toward it. Last evaluated 2022-06-12.

Conditions:
Phenylketonuria (PKU). Also called: Phenylketonuria (PKU); FOLLING DISEASE; OLIGOPHRENIA PHENYLPYRUVICA; Phenylketonurias. Identifiers: Orphanet 716, MedGen C0031485, MONDO:0009861, OMIM 261600. Disease mechanism: loss of function.

Allele frequency attached by ClinVar (database versions not stated): gnomAD exomes below 0.00001.
gnomAD v4.1: 1 of 1,614,102 alleles (0.000062%); highest among the groups gnomAD compares: South Asian, 0.0011%; no homozygotes.

Submissions (5):

ClinGen PAH Variant Curation Expert Panel
Classification: Likely pathogenic for Phenylketonuria. Last evaluated: 2022-06-12. Review status: reviewed by expert panel. Criteria: ClinGen PAH ACMG Specifications v1. Collection method: curation. Allele origin: germline. Inheritance: Autosomal recessive inheritance.
Comment: The NM_000277.3(PAH):c.617A>G (p.Tyr206Cys) missense variant has been reported in 1 patient with mild phenylketonuria (Phe = 914 umol/liter, BH4 deficiency excluded) (PP4_moderate; PMID: 29499199). This variant is absent from population databases (PM2), and is predicted deleterious by SIFT, Polyphen2, Mutation Taster. REVEL= 0.96 (PP3). This variant has been detected with pathogenic variants: p.Y204C (PMID: 16256386) and R241C (PMID: 26322415) (PM3). In summary, this variant meets criteria to be classified as likely pathogenic for PAH. PAH-specific ACMG/AMP criteria applied: PP4_moderate, PM2, PM3, PP3.

Natera, Inc.
Classification: Likely pathogenic for Phenylketonuria. Last evaluated: 2024-03-22. Review status: criteria provided, single submitter. Criteria: Natera Variant Classification Schema (03/2026). Collection method: clinical testing. Allele origin: germline. Not counted in ClinVar's aggregate classification.
Comment: The c.617A>G variant in PAH is a missense variant predicted to cause substitution of tyrosine to cysteine at amino acid 206. This variant is rare in the general population with a frequency below the threshold expected for the associated phenotype(s). This variant has been observed in one or more individuals affected with the associated recessive disease, as either homozygous or compound heterozygous with a second variant (PMID: 30050108, 29390883, 25456745). Computational prediction algorithms indicate this variant is likely to affect gene or protein function. Given the available evidence, this variant is classified as Likely Pathogenic.

Labcorp Genetics (formerly Invitae), Labcorp
Classification: Pathogenic for Phenylketonuria. Last evaluated: 2024-02-03. Review status: criteria provided, single submitter. Criteria: Invitae Variant Classification Sherloc (09022015). Collection method: clinical testing. Allele origin: germline. Not counted in ClinVar's aggregate classification.
Comment: This sequence change replaces tyrosine, which is neutral and polar, with cysteine, which is neutral and slightly polar, at codon 206 of the PAH protein (p.Tyr206Cys). This variant is not present in population databases (gnomAD no frequency). This missense change has been observed in individual(s) with hyperphenylalaninemia (PMID: 16256386, 26322415, 29390883, 29499199, 35193651). ClinVar contains an entry for this variant (Variation ID: 102762). Advanced modeling of protein sequence and biophysical properties (such as structural, functional, and spatial information, amino acid conservation, physicochemical variation, residue mobility, and thermodynamic stability) performed at Invitae indicates that this missense variant is not expected to disrupt PAH protein function with a negative predictive value of 80%. For these reasons, this variant has been classified as Pathogenic.

Counsyl
Classification: Uncertain significance for Phenylketonuria. Last evaluated: 2017-04-10. Review status: no assertion criteria provided. Collection method: clinical testing. Allele origin: unknown. Not counted in ClinVar's aggregate classification.

DeBelle Laboratory for Biochemical Genetics, MUHC/MCH RESEARCH INSTITUTE
No classification provided. Review status: no classification provided. Collection method: not provided. Allele origin: not provided. Not counted in ClinVar's aggregate classification.

Literature cited by the submitters: PubMed 30050108 (cited by Natera, Inc.); PubMed 29390883 (cited by Natera, Inc. and Labcorp Genetics (formerly Invitae), Labcorp); PubMed 25456745 (cited by Natera, Inc. and Counsyl); PubMed 16256386 (cited by Labcorp Genetics (formerly Invitae), Labcorp); PubMed 26322415 (cited by Labcorp Genetics (formerly Invitae), Labcorp and Counsyl); PubMed 29499199 (cited by Labcorp Genetics (formerly Invitae), Labcorp); PubMed 35193651 (cited by Labcorp Genetics (formerly Invitae), Labcorp); PubMed 19915519 (cited by Counsyl); PubMed 26503515 (cited by Counsyl).